The following is an entry in ClinVar:

ClinVar aggregate classification (germline): Conflicting classifications of pathogenicity. Review status: criteria provided, conflicting classifications (1 of 4 stars). 4 submissions from 3 submitters: Uncertain significance (2); Likely benign (2). Last evaluated 2025-10-18.

Conditions:
COL11A2-related disorder. Also called: COL11A2-related condition; COL11A2-related disorders.
Fibrochondrogenesis 2 (FBCG2). Identifiers: Orphanet 2021, MedGen C3281128, MONDO:0013795, OMIM 614524.
Otospondylomegaepiphyseal dysplasia, autosomal recessive (OSMEDB). Also called: Insley-Astley syndrome; CHONDRODYSTROPHY WITH SENSORINEURAL DEAFNESS. Identifiers: Orphanet 1427, MedGen CN034493, MONDO:0044206, OMIM 215150.

Allele frequency attached by ClinVar (database versions not stated): ExAC 0.00001; gnomAD exomes 0.00001 and 0.00002; gnomAD 0.00003 and 0.00004; TOPMed 0.00004.
gnomAD v4.1: 22 of 1,614,072 alleles (0.0014%); highest among the groups gnomAD compares: Non-Finnish European, 0.0018%; no homozygotes.

Submissions (4):

Labcorp Genetics (formerly Invitae), Labcorp
Classification: Likely benign. Last evaluated: 2025-10-18. Review status: criteria provided, single submitter. Criteria: Invitae Variant Classification Sherloc (09022015). Collection method: clinical testing. Allele origin: germline.

PreventionGenetics, part of Exact Sciences
Classification: Likely benign for COL11A2-related condition. Last evaluated: 2025-01-16. Review status: criteria provided, single submitter. Criteria: ACMG Guidelines, 2015. Collection method: clinical testing. Allele origin: germline.
Comment: This variant is classified as likely benign based on ACMG/AMP sequence variant interpretation guidelines (Richards et al. 2015 PMID: 25741868, with internal and published modifications).

Illumina Laboratory Services, Illumina
Classification: Uncertain significance for Otospondylomegaepiphyseal dysplasia, autosomal recessive. Last evaluated: 2018-01-13. Review status: criteria provided, single submitter. Criteria: ICSL Variant Classification Criteria 13 December 2019. Collection method: clinical testing. Allele origin: germline.

Illumina Laboratory Services, Illumina
Classification: Uncertain significance for Fibrochondrogenesis 2. Last evaluated: 2018-01-13. Review status: criteria provided, single submitter. Criteria: ICSL Variant Classification Criteria 13 December 2019. Collection method: clinical testing. Allele origin: germline.

NM_080680.3(COL11A2):c.3267G>A (p.Val1089=)

Gene: COL11A2 (collagen type XI alpha 2 chain; minus strand). Cytogenetic location: 6p21.32.
Variant type: single nucleotide variant.
Coding change: c.3267G>A on transcript NM_080680.3 (MANE Select); coding-DNA position 3267, G replaced by A.
Protein change: p.Val1089=; no amino-acid change (valine 1089 retained).
Molecular consequence: synonymous variant.
Genome position (GRCh38, 1-based): chr6:33,171,316, C>T on the plus strand (G>A on the coding strand, the complement: COL11A2 is on the minus strand). VCF-style: chr6-33171316-C-T. GRCh37 (hg19) VCF-style: chr6-33139093-C-T.
Other names: c.2946G>A, p.Val982= (NM_080679.3); c.3009G>A, p.Val1003= (NM_080681.3).
Identifiers: ClinVar variation 356394 (VCV000356394.14), dbSNP rs781462105, ClinGen allele CA3750581.